The following continues an entry in ClinVar:

NM_000535.7(PMS2):c.180C>G (p.Asp60Glu)

Gene: PMS2. ClinVar aggregate classification (germline): Likely benign. Likely benign (1).

Submissions 18 to 26 of 26:

Mendelics
Classification: Likely benign for Lynch syndrome 4. Last evaluated: 2019-05-28. Review status: criteria provided, single submitter. Criteria: Mendelics Assertion Criteria 2017. Collection method: clinical testing. Allele origin: unknown. Not counted in ClinVar's aggregate classification.

CHEO Genetics Diagnostic Laboratory, Children's Hospital of Eastern Ontario
Classification: Likely benign for Breast and/or ovarian cancer. Last evaluated: 2019-05-27. Review status: criteria provided, single submitter. Criteria: ACMG Guidelines, 2015. Collection method: clinical testing. Allele origin: germline. Not counted in ClinVar's aggregate classification.

Ambry Genetics
Classification: Likely benign for Hereditary cancer-predisposing syndrome. Last evaluated: 2018-09-06. Review status: criteria provided, single submitter. Criteria: Ambry Variant Classification Scheme 2023. Collection method: clinical testing. Allele origin: germline. Not counted in ClinVar's aggregate classification.

Illumina Laboratory Services, Illumina
Classification: Likely benign for Lynch syndrome 4. Last evaluated: 2017-04-27. Review status: criteria provided, single submitter. Criteria: ICSL Variant Classification Criteria 13 December 2019. Collection method: clinical testing. Allele origin: germline. Not counted in ClinVar's aggregate classification.
Comment: This variant was observed as part of a predisposition screen in an ostensibly healthy population. A literature search was performed for the gene, cDNA change, and amino acid change (where applicable). Publications were found based on this search. The evidence from the literature, in combination with allele frequency data from public databases where available, was sufficient to determine this variant is unlikely to cause disease. Therefore, this variant is classified as likely benign.

Breakthrough Genomics
Classification: Likely benign. Review status: criteria provided, single submitter. Criteria: ACMG Guidelines, 2015. Collection method: not provided. Allele origin: germline. Inheritance: Autosomal recessive inheritance. Affected: yes. Not counted in ClinVar's aggregate classification.

Clinical Genetics Laboratory, Department of Pathology, Netherlands Cancer Institute
Classification: Likely benign. Review status: no assertion criteria provided. Collection method: clinical testing. Allele origin: germline. Affected: yes. Study: VKGL Data-share Consensus. Not counted in ClinVar's aggregate classification.

Clinical Genetics, Academic Medical Center
Classification: Likely benign. Review status: no assertion criteria provided. Collection method: clinical testing. Allele origin: germline. Affected: yes. Study: VKGL Data-share Consensus. Not counted in ClinVar's aggregate classification.

Department of Pathology and Laboratory Medicine, Sinai Health System
Classification: Benign. Review status: no assertion criteria provided. Collection method: clinical testing. Allele origin: unknown. Affected: yes. Study: The Canadian Open Genetics Repository (COGR). Not counted in ClinVar's aggregate classification.
Comment: The PMS2 p.Asp60Glu variant was identified in 2 of 792 proband chromosomes (frequency: 0.003) from individuals or families with Lynch syndrome (van der Klift 2016). The variant was also identified in the following databases: dbSNP (ID: rs200313585) as "With Likely benign allele", ClinVar (4x likely benign, including review by expert panel InSiGHT, 1x benign), Clinvitae, and Insight Hereditary Tumors Database (6x, likely not pathogenic/little clinical significance). The variant was not identified in GeneInsight-COGR, Cosmic, MutDB, Zhejiang Colon Cancer Database, or the Mismatch Repair Genes Variant Database. The variant was identified in control databases in 271 of 276504 chromosomes (2 homozygous) at a frequency of 0.001 increasing the likelihood this could be a low frequency benign variant (Genome Aggregation Database Feb 27, 2017). Breakdown of the observations by population include African in 4 of 24012 chromosomes (freq: 0.0002), Other in 13 of 6456 chromosomes (freq: 0.002), Latino in 2 of 34384 chromosomes (freq: 0.00006), European in 95 of 126292 chromosomes (freq: 0.0008), and Finnish in 157 of 25784 chromosomes (freq: 0.006). The variant was not observed in the Ashkenazi Jewish, East Asian, or South Asian populations. A functional study utilizing a cell-free assay found c.180C>G in vitro mismatch repair activity conserved (Drost 2013). Another study investing the splicing pattern of c.180C>G through use of a minigene assay found no aberrant splicing (van der Klift 2015). The p.Asp60 residue is not conserved in mammals and four out of five computational analyses (PolyPhen-2, SIFT, AlignGVGD, BLOSUM, MutationTaster) do not suggest a high likelihood of impact to the protein; however, this information is not predictive enough to rule out pathogenicity. The variant occurs outside of the splicing consensus sequence and 1 of 5 in silico or computational prediction software programs (SpliceSiteFinder, MaxEntScan, NNSPLICE, GeneSplicer, HumanSpliceFinder) predict a greater than 10% difference in splicing; this is not very predictive of pathogenicity. In summary, based on the above information this variant meets our laboratory's criteria to be classified as benign.

Laboratory of Diagnostic Genome Analysis, Leiden University Medical Center (LUMC)
Classification: Benign. Review status: no assertion criteria provided. Collection method: clinical testing. Allele origin: germline. Affected: yes. Study: VKGL Data-share Consensus. Not counted in ClinVar's aggregate classification.

Literature cited by the submitters: PubMed 24027009 (cited by Women's Health and Genetics/Laboratory Corporation of America, LabCorp and Illumina Laboratory Services, Illumina); PubMed 26247049 (cited by Women's Health and Genetics/Laboratory Corporation of America, LabCorp and Illumina Laboratory Services, Illumina); PubMed 25479140 (cited by Women's Health and Genetics/Laboratory Corporation of America, LabCorp); PubMed 27435373 (cited by Women's Health and Genetics/Laboratory Corporation of America, LabCorp); PubMed 31391288 (cited by Women's Health and Genetics/Laboratory Corporation of America, LabCorp); PubMed 31874108 (cited by Women's Health and Genetics/Laboratory Corporation of America, LabCorp).